The following is an entry in ClinVar:

NM_000093.5(COL5A1):c.3947C>A (p.Pro1316His)

Gene: COL5A1 (collagen type V alpha 1 chain; plus strand). Cytogenetic location: 9q34.3.
Variant type: single nucleotide variant.
Coding change: c.3947C>A on transcript NM_000093.5 (MANE Select); coding-DNA position 3947, C replaced by A.
Protein change: p.Pro1316His; replaces proline 1316 with histidine.
Molecular consequence: missense variant.
Genome position (GRCh38, 1-based): chr9:134,814,837, C>A. VCF-style: chr9-134814837-C-A. GRCh37 (hg19) VCF-style: chr9-137706683-C-A.
Other names: c.3947C>A, p.Pro1316His (NM_001278074.1); short protein forms P1316H.
Identifiers: ClinVar variation 3719760 (VCV003719760.2).

ClinVar aggregate classification (germline): Uncertain significance (1 of 4 stars; one submission).

Conditions:
Ehlers-Danlos syndrome, classic type, 1 (EDSCL1). Also called: EHLERS-DANLOS SYNDROME, GRAVIS TYPE; EHLERS-DANLOS SYNDROME, SEVERE CLASSIC TYPE; Ehlers-Danlos syndrome, type 1; Ehlers-Danlos Syndrome, Classic Type, COL5A1-Related; EDS I. Identifiers: MedGen C0268335, MONDO:0019567, OMIM 130000.

Submission:

Labcorp Genetics (formerly Invitae), Labcorp
Classification: Uncertain significance for Ehlers-Danlos syndrome, classic type, 1. Last evaluated: 2024-12-05. Review status: criteria provided, single submitter. Criteria: Invitae Variant Classification Sherloc (09022015). Collection method: clinical testing. Allele origin: germline.
Comment: This sequence change replaces proline, which is neutral and non-polar, with histidine, which is basic and polar, at codon 1316 of the COL5A1 protein (p.Pro1316His). This variant is not present in population databases (gnomAD no frequency). This variant has not been reported in the literature in individuals affected with COL5A1-related conditions. Invitae Evidence Modeling of protein sequence and biophysical properties (such as structural, functional, and spatial information, amino acid conservation, physicochemical variation, residue mobility, and thermodynamic stability) indicates that this missense variant is not expected to disrupt COL5A1 protein function with a negative predictive value of 80%. In summary, the available evidence is currently insufficient to determine the role of this variant in disease. Therefore, it has been classified as a Variant of Uncertain Significance.